The following is an entry in ClinVar:

NM_021147.5(CCNO):c.788G>C (p.Arg263Pro)

Gene: CCNO (cyclin O; minus strand). Cytogenetic location: 5q11.2.
Variant type: single nucleotide variant.
Coding change: c.788G>C on transcript NM_021147.5 (MANE Select); coding-DNA position 788, G replaced by C.
Protein change: p.Arg263Pro; replaces arginine 263 with proline.
Molecular consequence: missense variant. On other transcripts: non-coding transcript variant (3).
Genome position (GRCh38, 1-based): chr5:55,231,640, C>G on the plus strand (G>C on the coding strand, the complement: CCNO is on the minus strand). VCF-style: chr5-55231640-C-G. GRCh37 (hg19) VCF-style: chr5-54527468-C-G.
Other names: short protein forms R263P.
Identifiers: ClinVar variation 411598 (VCV000411598.11), dbSNP rs746811253, ClinGen allele CA3266682.

ClinVar aggregate classification (germline): Conflicting classifications of pathogenicity. Review status: criteria provided, conflicting classifications (1 of 4 stars). 3 submissions from 3 submitters: Likely pathogenic (1); Uncertain significance (2). Last evaluated 2023-08-02.

Conditions:
CCNO-related disorder. Also called: CCNO-related condition.
Primary ciliary dyskinesia. Also called: Ciliary dyskinesia. Identifiers: Orphanet 244, MedGen C0008780, MONDO:0016575, HP:0012265.

Allele frequency attached by ClinVar (database versions not stated): gnomAD exomes 0.00001; ExAC 0.00002.
gnomAD v4.1: 4 of 1,596,076 alleles (0.00025%); highest among the groups gnomAD compares: East Asian, 0.0068%; no homozygotes.

Submissions (3):

PreventionGenetics, part of Exact Sciences
Classification: Uncertain significance for CCNO-related condition. Last evaluated: 2023-08-02. Review status: criteria provided, single submitter. Criteria: ACMG Guidelines, 2015. Collection method: clinical testing. Allele origin: germline.
Comment: The CCNO c.788G>C variant is predicted to result in the amino acid substitution p.Arg263Pro. To our knowledge, this variant has not been reported in the literature. This variant is reported in 0.019% of alleles in individuals of East Asian descent in gnomAD. At this time, the clinical significance of this variant is uncertain due to the absence of conclusive functional and genetic evidence.

Labcorp Genetics (formerly Invitae), Labcorp
Classification: Uncertain significance for Primary ciliary dyskinesia. Last evaluated: 2023-07-07. Review status: criteria provided, single submitter. Criteria: Invitae Variant Classification Sherloc (09022015). Collection method: clinical testing. Allele origin: germline.
Comment: This sequence change replaces arginine, which is basic and polar, with proline, which is neutral and non-polar, at codon 263 of the CCNO protein (p.Arg263Pro). This variant is present in population databases (rs746811253, gnomAD 0.02%). In summary, the available evidence is currently insufficient to determine the role of this variant in disease. Therefore, it has been classified as a Variant of Uncertain Significance. Advanced modeling of protein sequence and biophysical properties (such as structural, functional, and spatial information, amino acid conservation, physicochemical variation, residue mobility, and thermodynamic stability) has been performed at Invitae for this missense variant, however the output from this modeling did not meet the statistical confidence thresholds required to predict the impact of this variant on CCNO protein function. ClinVar contains an entry for this variant (Variation ID: 411598). This missense change has been observed in individual(s) with clinical features of primary ciliary dyskinesia (Invitae).

Blueprint Genetics
Classification: Likely pathogenic for CCNO-related disorders. Last evaluated: 2023-03-14. Review status: criteria provided, single submitter. Criteria: ACMG Guidelines, 2015. Collection method: clinical testing. Allele origin: germline. Affected: yes. Observed: 3 variant alleles.